The following is an entry in ClinVar:

NM_000565.4(IL6R):c.10G>T (p.Val4Phe)

Genes: IL6R (interleukin 6 receptor; plus strand), IL6R-AS1 (IL6R antisense RNA 1; minus strand). Cytogenetic location: 1q21.3.
Variant type: single nucleotide variant.
Coding change: c.10G>T on transcript NM_000565.4 (MANE Select); coding-DNA position 10, G replaced by T.
Protein change: p.Val4Phe; replaces valine 4 with phenylalanine.
Molecular consequence: missense variant.
Genome position (GRCh38, 1-based): chr1:154,405,639, G>T. VCF-style: chr1-154405639-G-T. GRCh37 (hg19) VCF-style: chr1-154378115-G-T.
Other names: c.10G>T, p.Val4Phe (NM_001206866.2, NM_001382769.1, NM_001382770.1 and 5 more transcripts); short protein forms V4F.
Identifiers: ClinVar variation 1417292 (VCV001417292.6), dbSNP rs867881689, ClinGen allele CA30783874.

ClinVar aggregate classification (germline): Uncertain significance. Review status: criteria provided, multiple submitters, no conflicts (2 of 4 stars). 2 submissions from 2 submitters: Uncertain significance (2). Last evaluated 2023-08-21.

Allele frequency attached by ClinVar (database versions not stated): 1000 Genomes Project 30x 0.00016.
gnomAD v4.1: 58 of 1,533,084 alleles (0.0038%); highest among the groups gnomAD compares: African/African-American, 0.076%; no homozygotes.

Submissions (2):

Blueprint Genetics
Classification: Uncertain significance. Last evaluated: 2023-08-21. Review status: criteria provided, single submitter. Criteria: ACMG Guidelines, 2015. Collection method: clinical testing. Allele origin: germline.

Labcorp Genetics (formerly Invitae), Labcorp
Classification: Uncertain significance. Last evaluated: 2022-08-19. Review status: criteria provided, single submitter. Criteria: Invitae Variant Classification Sherloc (09022015). Collection method: clinical testing. Allele origin: germline.
Comment: This sequence change replaces valine, which is neutral and non-polar, with phenylalanine, which is neutral and non-polar, at codon 4 of the IL6R protein (p.Val4Phe). The frequency data for this variant in the population databases is considered unreliable, as metrics indicate poor data quality at this position in the gnomAD database. This variant has not been reported in the literature in individuals affected with IL6R-related conditions. ClinVar contains an entry for this variant (Variation ID: 1417292). Algorithms developed to predict the effect of missense changes on protein structure and function are either unavailable or do not agree on the potential impact of this missense change (SIFT: "Deleterious"; PolyPhen-2: "Not Available"; Align-GVGD: "Class C0"). In summary, the available evidence is currently insufficient to determine the role of this variant in disease. Therefore, it has been classified as a Variant of Uncertain Significance.